The following is an entry in ClinVar:

ClinVar aggregate classification (germline): Uncertain significance (1 of 4 stars; one submission).

Allele frequency attached by ClinVar (database versions not stated): TOPMed below 0.00001; gnomAD 0.00001.
gnomAD v4.1: 1 of 1,614,014 alleles (0.000062%); highest among the groups gnomAD compares: African/African-American, 0.0013%; no homozygotes.

Submission:

Ambry Genetics
Classification: Uncertain significance. Last evaluated: 2022-07-15. Review status: criteria provided, single submitter. Criteria: Ambry Variant Classification Scheme 2023. Collection method: clinical testing. Allele origin: germline.
Comment: The p.R1549G variant (also known as c.4645A>G), located in coding exon 41 of the KIF1B gene, results from an A to G substitution at nucleotide position 4645. The arginine at codon 1549 is replaced by glycine, an amino acid with dissimilar properties. This amino acid position is conserved. In addition, this alteration is predicted to be tolerated by in silico analysis. Since supporting evidence is limited at this time, the clinical significance of this alteration remains unclear.

NM_001365951.3(KIF1B):c.4783A>G (p.Arg1595Gly)

Gene: KIF1B (kinesin family member 1B; plus strand). Cytogenetic location: 1p36.22.
Variant type: single nucleotide variant.
Coding change: c.4783A>G on transcript NM_001365951.3 (MANE Select); coding-DNA position 4783, A replaced by G.
Protein change: p.Arg1595Gly; replaces arginine 1595 with glycine.
Molecular consequence: missense variant.
Genome position (GRCh38, 1-based): chr1:10,368,497, A>G. VCF-style: chr1-10368497-A-G. GRCh37 (hg19) VCF-style: chr1-10428555-A-G.
Other names: c.4783A>G, p.Arg1595Gly (NM_001365952.1); c.4645A>G, p.Arg1549Gly (NM_015074.3); short protein forms R1595G, R1549G.
Identifiers: ClinVar variation 1742145 (VCV001742145.2), dbSNP rs1292650402, ClinGen allele CA338324206.